The following is an entry in ClinVar:

NM_001370658.1(BTD):c.1211G>C (p.Cys404Ser)

Gene: BTD (biotinidase; plus strand). Cytogenetic location: 3p25.1.
Variant type: single nucleotide variant.
Coding change: c.1211G>C on transcript NM_001370658.1 (MANE Select); coding-DNA position 1211, G replaced by C.
Protein change: p.Cys404Ser; replaces cysteine 404 with serine.
Molecular consequence: missense variant. On other transcripts: intron variant (2).
Genome position (GRCh38, 1-based): chr3:15,645,127, G>C. VCF-style: chr3-15645127-G-C. GRCh37 (hg19) VCF-style: chr3-15686634-G-C.
Other names: c.1271G>C, p.Cys424Ser (NM_000060.4); c.1211G>C, p.Cys404Ser (NM_001281723.4, NM_001281724.3, NM_001281725.3 and 16 more transcripts); c.1015+196G>C (NM_001370752.1); c.399+3070G>C (NM_001370753.1); short protein forms C404S.
Identifiers: ClinVar variation 1675907 (VCV001675907.41), dbSNP rs397514335, ClinGen allele CA278318.

ClinVar aggregate classification (germline): Pathogenic/Likely pathogenic. Review status: criteria provided, multiple submitters, no conflicts (2 of 4 stars). 7 submissions from 7 submitters: Pathogenic (6); Likely pathogenic (1). Last evaluated 2025-12-01.

Conditions:
Biotinidase deficiency. Also called: BTD deficiency; Late-onset biotin-responsive multiple carboxylase deficiency; Biotin deficiency. Identifiers: Orphanet 79241, MedGen C0220754, MONDO:0009665, OMIM 253260.

Allele frequency attached by ClinVar (database versions not stated): gnomAD exomes below 0.00001; TOPMed below 0.00001.
gnomAD v4.1: 4 of 1,614,192 alleles (0.00025%); highest among the groups gnomAD compares: Non-Finnish European, 0.00025%; no homozygotes.

Submissions (7):

Natera, Inc.
Classification: Pathogenic for Biotinidase deficiency. Last evaluated: 2025-12-01. Review status: criteria provided, single submitter. Criteria: Natera Variant Classification Schema (03/2026). Collection method: clinical testing. Allele origin: germline.
Comment: The c.1211G>C variant in BTD is a missense variant predicted to cause substitution of cysteine to serine at amino acid 404. This variant is rare in the general population with a frequency below the threshold expected for the associated phenotype(s). This variant has been observed in one or more individuals affected with the associated recessive disease, as either homozygous or compound heterozygous with a second variant (PMID: 39439447, 29359854, 15776412). Given the available evidence, this variant is classified as Pathogenic.

Myriad Genetics, Inc.
Classification: Likely pathogenic for Biotinidase deficiency. Last evaluated: 2025-04-02. Review status: criteria provided, single submitter. Criteria: Myriad Autosomal Dominant, Autosomal Recessive and X-Linked Classification Criteria (2023). Collection method: clinical testing. Allele origin: unknown.
Comment: NM_000060.2(BTD):c.1271G>C(C424S) is a missense variant classified as likely pathogenic in the context of biotinidase deficiency. C424S has been observed in cases with relevant disease (PMID: 15776412, 29359854, Lin_2024_(Article)). Relevant functional assessments of this variant are available in the literature (PMID: 29359854). C424S has not been observed in referenced population frequency databases. In summary, NM_000060.2(BTD):c.1271G>C(C424S) is a missense variant that has functional support for pathogenicity and has been observed more frequently in cases with the relevant disease than in healthy populations. Please note: this variant was assessed in the context of healthy population screening.

Fulgent Genetics
Classification: Pathogenic for Biotinidase deficiency. Last evaluated: 2024-04-23. Review status: criteria provided, single submitter. Criteria: ACMG Guidelines, 2015. Collection method: clinical testing. Allele origin: germline.

Women's Health and Genetics/Laboratory Corporation of America, LabCorp
Classification: Pathogenic for Biotinidase deficiency. Last evaluated: 2024-04-17. Review status: criteria provided, single submitter. Criteria: LabCorp Variant Classification Summary - May 2015. Collection method: clinical testing. Allele origin: germline.
Comment: Variant summary: BTD c.1211G>C (p.Cys404Ser) results in a non-conservative amino acid change in the encoded protein sequence. Five of five in-silico tools predict a damaging effect of the variant on protein function. The variant was absent in 251376 control chromosomes (gnomAD). c.1211G>C has been reported in the literature in individuals affected with Biotinidase Deficiency (Wolf_2005, Lui_2018). These data indicate that the variant is likely to be associated with disease. At least one publication reports experimental evidence evaluating an impact on protein function, finding that the variant results in a complete loss of BTD activity (Lui_2018). The following publications have been ascertained in the context of this evaluation (PMID: 15776412, 29359854). ClinVar contains an entry for this variant (Variation ID: 1675907). Based on the evidence outlined above, the variant was classified as pathogenic.

Labcorp Genetics (formerly Invitae), Labcorp
Classification: Pathogenic for Biotinidase deficiency. Last evaluated: 2024-02-19. Review status: criteria provided, single submitter. Criteria: Invitae Variant Classification Sherloc (09022015). Collection method: clinical testing. Allele origin: germline.
Comment: This sequence change replaces cysteine, which is neutral and slightly polar, with serine, which is neutral and polar, at codon 424 of the BTD protein (p.Cys424Ser). This variant is not present in population databases (gnomAD no frequency). This missense change has been observed in individual(s) with biotinidase deficiency (PMID: 15776412, 29359854). ClinVar contains an entry for this variant (Variation ID: 1675907). Advanced modeling of protein sequence and biophysical properties (such as structural, functional, and spatial information, amino acid conservation, physicochemical variation, residue mobility, and thermodynamic stability) performed at Invitae indicates that this missense variant is expected to disrupt BTD protein function with a positive predictive value of 95%. Experimental studies have shown that this missense change affects BTD function (PMID: 29359854). For these reasons, this variant has been classified as Pathogenic.

Baylor Genetics
Classification: Pathogenic for Biotinidase deficiency. Last evaluated: 2022-11-30. Review status: criteria provided, single submitter. Criteria: ACMG Guidelines, 2015. Collection method: clinical testing. Allele origin: unknown.

CeGaT Center for Human Genetics Tuebingen
Classification: Pathogenic. Last evaluated: 2022-03-01. Review status: criteria provided, single submitter. Criteria: CeGaT Center For Human Genetics Tuebingen Variant Classification Criteria Version 2. Collection method: clinical testing. Allele origin: germline. Affected: yes. Observed: 1 variant allele.
Comment: BTD: PS3, PM1, PM2, PM5, PS4:Moderate, PP3

Literature cited by the submitters: PubMed 39439447 (cited by Natera, Inc.); PubMed 29359854 (cited by 4 submitters); PubMed 15776412 (cited by 3 submitters).